The following is an entry in ClinVar:

NM_007186.6(CEP250):c.3134G>A (p.Arg1045Gln)

Gene: CEP250 (centrosomal protein 250; plus strand). Cytogenetic location: 20q11.22.
Variant type: single nucleotide variant.
Coding change: c.3134G>A on transcript NM_007186.6 (MANE Select); coding-DNA position 3134, G replaced by A.
Protein change: p.Arg1045Gln; replaces arginine 1045 with glutamine.
Molecular consequence: missense variant.
Genome position (GRCh38, 1-based): chr20:35,494,624, G>A. VCF-style: chr20-35494624-G-A. GRCh37 (hg19) VCF-style: chr20-34082451-G-A.
Other names: c.1238G>A, p.Arg413Gln (NM_001318219.1); short protein forms R413Q, R1045Q.
Identifiers: ClinVar variation 1413164 (VCV001413164.6), dbSNP rs763406705, ClinGen allele CA9833388.

ClinVar aggregate classification (germline): Uncertain significance (1 of 4 stars; one submission).

Allele frequency attached by ClinVar (database versions not stated): TOPMed below 0.00001; gnomAD 0.00001; ExAC 0.00002; gnomAD exomes 0.00002.
gnomAD v4.1: 19 of 1,614,104 alleles (0.0012%); highest among the groups gnomAD compares: Middle Eastern, 0.017%; no homozygotes.

Submission:

Labcorp Genetics (formerly Invitae), Labcorp
Classification: Uncertain significance. Last evaluated: 2023-11-27. Review status: criteria provided, single submitter. Criteria: Invitae Variant Classification Sherloc (09022015). Collection method: clinical testing. Allele origin: germline.
Comment: This sequence change replaces arginine, which is basic and polar, with glutamine, which is neutral and polar, at codon 1045 of the CEP250 protein (p.Arg1045Gln). This variant is present in population databases (rs763406705, gnomAD 0.003%). This variant has not been reported in the literature in individuals affected with CEP250-related conditions. ClinVar contains an entry for this variant (Variation ID: 1413164). Algorithms developed to predict the effect of missense changes on protein structure and function output the following: SIFT: "Not Available"; PolyPhen-2: "Benign"; Align-GVGD: "Not Available". The glutamine amino acid residue is found in multiple mammalian species, which suggests that this missense change does not adversely affect protein function. In summary, the available evidence is currently insufficient to determine the role of this variant in disease. Therefore, it has been classified as a Variant of Uncertain Significance.